The following is an entry in ClinVar:

NM_001018113.3(FANCB):c.1811_1814del (p.Arg604fs)

Gene: FANCB (FA complementation group B; minus strand). Cytogenetic location: Xp22.2.
Variant type: Microsatellite.
Coding change: c.1811_1814del on transcript NM_001018113.3 (MANE Select); coding-DNA positions 1811 to 1814, 4 bases deleted (GAGA; older notation c.1811_1814delGAGA).
Protein change: p.Arg604fs; shifts the reading frame from arginine 604.
Molecular consequence: frameshift variant.
Genome position (GRCh38, 1-based): chrX:14,844,969-14,844,972, TCTC deleted on the plus strand (GAGA on the coding strand, the reverse complement: FANCB is on the minus strand); deleting any 4 consecutive bases within chrX:14,844,969-14,844,976 gives the same sequence; the c. name uses the placement nearest the transcript's 3' end. VCF-style (leftmost placement, unchanged base first): chrX-14844968-TTCTC-T. GRCh37 (hg19) VCF-style: chrX-14863090-TTCTC-T.
Other names: c.1811_1814del, p.Arg604fs (NM_001324162.2, NM_152633.4); short protein forms R604fs.
Identifiers: ClinVar variation 691307 (VCV000691307.2), dbSNP rs1601977912, ClinGen allele CA915950777.

ClinVar aggregate classification (germline): Pathogenic (0 of 4 stars; one submission).

Conditions:
Fanconi anemia complementation group B (FANCB). Also called: FANCB-Related Fanconi Anemia; FANCONI PANCYTOPENIA, TYPE 2. Identifiers: Orphanet 84, MedGen C1845292, MONDO:0010351, OMIM 300514.

Submission:

Leiden Open Variation Database
Classification: Pathogenic for Fanconi anemia complementation group B. Last evaluated: 2020-02-28. Review status: no assertion criteria provided. Collection method: curation. Allele origin: germline. Affected: yes.
Comment: Curator: Arleen D. Auerbach. Submitter to LOVD: Arleen D. Auerbach. Comment: Variant observed de novo.